The following is an entry in ClinVar:

NM_018648.4(NOP10):c.*149G>A

Gene: NOP10 (NOP10 ribonucleoprotein; minus strand). Cytogenetic location: 15q14.
Variant type: single nucleotide variant.
Coding change: c.*149G>A on transcript NM_018648.4 (MANE Select); 149 bases downstream of the stop codon, G replaced by A.
Molecular consequence: 3 prime UTR variant.
Genome position (GRCh38, 1-based): chr15:34,341,819, C>T on the plus strand (G>A on the coding strand, the complement: NOP10 is on the minus strand). VCF-style: chr15-34341819-C-T. GRCh37 (hg19) VCF-style: chr15-34634020-C-T.
Identifiers: ClinVar variation 315630 (VCV000315630.9), dbSNP rs7173, ClinGen allele CA10646796.

ClinVar aggregate classification (germline): Benign/Likely benign. Review status: criteria provided, multiple submitters, no conflicts (2 of 4 stars). 3 submissions from 3 submitters: Benign (2); Likely benign (1). Last evaluated 2018-11-27.

Conditions:
Dyskeratosis congenita, autosomal recessive 1. Identifiers: Orphanet 1775, MedGen C1857144, MONDO:0009136, OMIM 224230.

Allele frequency attached by ClinVar (database versions not stated): 1000 Genomes Project 30x 0.05262; 1000 Genomes Project 0.05371; TOPMed 0.06339; gnomAD 0.09458.
gnomAD v4.1: 78,377 of 803,520 alleles (9.8%); highest among the groups gnomAD compares: Middle Eastern, 12%; 4,838 homozygotes.

Submissions (3):

GeneDx
Classification: Benign. Last evaluated: 2018-11-27. Review status: criteria provided, single submitter. Criteria: GeneDx Variant Classification Process June 2021. Collection method: clinical testing. Allele origin: germline. Affected: yes.

Illumina Laboratory Services, Illumina
Classification: Benign for Dyskeratosis congenita, autosomal recessive 1. Last evaluated: 2018-01-13. Review status: criteria provided, single submitter. Criteria: ICSL Variant Classification Criteria 13 December 2019. Collection method: clinical testing. Allele origin: germline.
Comment: This variant was observed in the ICSL laboratory as part of a predisposition screen in an ostensibly healthy population. It had not been previously curated by ICSL or reported in the Human Gene Mutation Database (HGMD: prior to June 1st, 2018), and was therefore a candidate for classification through an automated scoring system. Utilizing variant allele frequency, disease prevalence and penetrance estimates, and inheritance mode, an automated score was calculated to assess if this variant is too frequent to cause the disease. Based on the score and internal cut-off values, a variant classified as benign is not then subjected to further curation. The score for this variant resulted in a classification of benign for this disease.

Breakthrough Genomics
Classification: Likely benign. Review status: criteria provided, single submitter. Criteria: ACMG Guidelines, 2015. Collection method: not provided. Allele origin: germline. Inheritance: Autosomal recessive inheritance. Affected: yes.